The following is an entry in ClinVar:

NM_152564.5(VPS13B):c.8692G>A (p.Val2898Ile)

Gene: VPS13B (vacuolar protein sorting 13 homolog B; plus strand). Cytogenetic location: 8q22.2.
Variant type: single nucleotide variant.
Coding change: c.8692G>A on transcript NM_152564.5 (MANE Select); coding-DNA position 8692, G replaced by A.
Protein change: p.Val2898Ile; replaces valine 2898 with isoleucine.
Molecular consequence: missense variant.
Genome position (GRCh38, 1-based): chr8:99,819,482, G>A. VCF-style: chr8-99819482-G-A. GRCh37 (hg19) VCF-style: chr8-100831710-G-A.
Other names: c.8767G>A, p.Val2923Ile (NM_017890.5); c.8692G>A (NM_152564.4); short protein forms V2898I, V2923I.
Identifiers: ClinVar variation 942455 (VCV000942455.9), dbSNP rs200611924, ClinGen allele CA182328680.

ClinVar aggregate classification (germline): Uncertain significance. Review status: criteria provided, multiple submitters, no conflicts (2 of 4 stars). 3 submissions from 3 submitters: Uncertain significance (2). 1 of the submissions does not count toward it. Last evaluated 2025-11-25.

Conditions:
VPS13B-related disorder. Also called: VPS13B-related condition.
Cohen syndrome (COH1). Also called: Cutis verticis gyrata, retinitis pigmentosa, and sensorineural deafness; PEPPER SYNDROME. Identifiers: Orphanet 193, MedGen C0265223, MONDO:0008999, OMIM 216550.

Allele frequency attached by ClinVar (database versions not stated): gnomAD exomes below 0.00001.
gnomAD v4.1: 1 of 1,613,778 alleles (0.000062%); highest among the groups gnomAD compares: Non-Finnish European, 0.000085%; no homozygotes.

Submissions (3):

PreventionGenetics, part of Exact Sciences
Classification: Uncertain significance for VPS13B-related condition. Last evaluated: 2025-11-25. Review status: criteria provided, single submitter. Criteria: ACMG Guidelines, 2015. Collection method: clinical testing. Allele origin: germline.
Comment: The VPS13B c.8692G>A variant is predicted to result in the amino acid substitution p.Val2898Ile. To our knowledge, this variant has not been reported in the literature or in a large population database (gnomAD), indicating this variant is rare. At this time, the clinical significance of this variant is uncertain due to the absence of conclusive functional and genetic evidence.

Labcorp Genetics (formerly Invitae), Labcorp
Classification: Uncertain significance for Cohen syndrome. Last evaluated: 2021-08-28. Review status: criteria provided, single submitter. Criteria: Invitae Variant Classification Sherloc (09022015). Collection method: clinical testing. Allele origin: germline.

Natera, Inc.
Classification: Uncertain significance for Cohen syndrome. Last evaluated: 2020-12-14. Review status: no assertion criteria provided. Collection method: clinical testing. Allele origin: germline. Not counted in ClinVar's aggregate classification.